The following is an entry in ClinVar:

ClinVar aggregate classification (germline): Benign. Review status: criteria provided, multiple submitters, no conflicts (2 of 4 stars). 7 submissions from 2 submitters: Benign (7). Last evaluated 2021-05-14.

Conditions:
Choroidal dystrophy, central areolar 2 (CACD2). Also called: MACULAR DYSTROPHY, PROGRESSIVE; Choriodal Dystrophy, Central Areolar 2. Identifiers: Orphanet 75377, MedGen C2751290, MONDO:0013137, OMIM 613105.
Patterned macular dystrophy 1. Also called: BUTTERFLY DYSTROPHY OF RETINAL PIGMENT EPITHELIUM; MACULAR DYSTROPHY, BUTTERFLY-SHAPED PIGMENTARY. Identifiers: Orphanet 99001, MedGen C4551999, MONDO:0008210, OMIM 169150.
Pigmentary retinal dystrophy. Also called: Fundus albipunctatus. Identifiers: Orphanet 227796, Orphanet 52427, MedGen C0311338, MONDO:0007639, OMIM 136880, HP:0030642.
Retinitis pigmentosa (RP). Identifiers: Orphanet 791, MedGen C0035334, MeSH D012174, MONDO:0019200, OMIM 268000. Inheritance: Autosomal dominant, autosomal recessive and X linked inheritance.
Cone-rod dystrophy. Also called: Cone-rod degeneration; Cone/cone-rod dystrophy. Identifiers: Orphanet 1872, MedGen C4085590, MONDO:0015993, HP:0000548.
Adult-onset foveomacular vitelliform dystrophy. Also called: FOVEOMACULAR DYSTROPHY, ADULT-ONSET; FOVEOMACULAR DYSTROPHY, ADULT-ONSET, WITH OR WITHOUT CHOROIDAL NEOVASCULARIZATION; Adult onset vitelliform dystrophy. Identifiers: Orphanet 99000, MedGen C1842914, MONDO:0011979.

Allele frequency attached by ClinVar (database versions not stated): gnomAD exomes 0.20652; 1000 Genomes Project 30x 0.21221; 1000 Genomes Project 0.21446; TOPMed 0.22324; gnomAD 0.22705 and 0.22759.
gnomAD v4.1: 34,430 of 152,054 alleles (23%); highest among the groups gnomAD compares: Middle Eastern, 26%; 3,953 homozygotes.

Submissions (7):

GeneDx
Classification: Benign. Last evaluated: 2021-05-14. Review status: criteria provided, single submitter. Criteria: GeneDx Variant Classification Process June 2021. Collection method: clinical testing. Allele origin: germline. Affected: yes.

Illumina Laboratory Services, Illumina
Classification: Benign for Retinitis pigmentosa. Last evaluated: 2018-01-12. Review status: criteria provided, single submitter. Criteria: ICSL Variant Classification Criteria 13 December 2019. Collection method: clinical testing. Allele origin: germline.
Comment: This variant was observed in the ICSL laboratory as part of a predisposition screen in an ostensibly healthy population. It had not been previously curated by ICSL or reported in the Human Gene Mutation Database (HGMD: prior to June 1st, 2018), and was therefore a candidate for classification through an automated scoring system. Utilizing variant allele frequency, disease prevalence and penetrance estimates, and inheritance mode, an automated score was calculated to assess if this variant is too frequent to cause the disease. Based on the score and internal cut-off values, a variant classified as benign is not then subjected to further curation. The score for this variant resulted in a classification of benign for this disease.

Illumina Laboratory Services, Illumina
Classification: Benign for Choroidal dystrophy, central areolar 2. Last evaluated: 2018-01-12. Review status: criteria provided, single submitter. Criteria: ICSL Variant Classification Criteria 13 December 2019. Collection method: clinical testing. Allele origin: germline.
Comment: the same text as in the submission from Illumina Laboratory Services, Illumina above.

Illumina Laboratory Services, Illumina
Classification: Benign for Patterned macular dystrophy 1. Last evaluated: 2018-01-12. Review status: criteria provided, single submitter. Criteria: ICSL Variant Classification Criteria 13 December 2019. Collection method: clinical testing. Allele origin: germline.
Comment: the same text as in the submission from Illumina Laboratory Services, Illumina above.

Illumina Laboratory Services, Illumina
Classification: Benign for Cone-rod dystrophy. Last evaluated: 2018-01-12. Review status: criteria provided, single submitter. Criteria: ICSL Variant Classification Criteria 13 December 2019. Collection method: clinical testing. Allele origin: germline.
Comment: the same text as in the submission from Illumina Laboratory Services, Illumina above.

Illumina Laboratory Services, Illumina
Classification: Benign for Vitelliform macular dystrophy 3. Last evaluated: 2018-01-12. Review status: criteria provided, single submitter. Criteria: ICSL Variant Classification Criteria 13 December 2019. Collection method: clinical testing. Allele origin: germline.
Comment: the same text as in the submission from Illumina Laboratory Services, Illumina above.

Illumina Laboratory Services, Illumina
Classification: Benign for Pigmentary retinal dystrophy. Last evaluated: 2018-01-12. Review status: criteria provided, single submitter. Criteria: ICSL Variant Classification Criteria 13 December 2019. Collection method: clinical testing. Allele origin: germline.
Comment: the same text as in the submission from Illumina Laboratory Services, Illumina above.

NM_000322.5(PRPH2):c.*898C>A

Gene: PRPH2 (peripherin 2; minus strand). Cytogenetic location: 6p21.1.
Variant type: single nucleotide variant.
Coding change: c.*898C>A on transcript NM_000322.5 (MANE Select); 898 bases downstream of the stop codon, C replaced by A.
Molecular consequence: 3 prime UTR variant.
Genome position (GRCh38, 1-based): chr6:42,697,397, G>T on the plus strand (C>A on the coding strand, the complement: PRPH2 is on the minus strand). VCF-style: chr6-42697397-G-T. GRCh37 (hg19) VCF-style: chr6-42665135-G-T.
Identifiers: ClinVar variation 356759 (VCV000356759.6), dbSNP rs3176988, ClinGen allele CA10623925.